The following is an entry in ClinVar:

ClinVar aggregate classification (germline): Uncertain significance (1 of 4 stars; one submission).

Allele frequency attached by ClinVar (database versions not stated): gnomAD 0.00001.

Submission:

Labcorp Genetics (formerly Invitae), Labcorp
Classification: Uncertain significance. Last evaluated: 2023-08-17. Review status: criteria provided, single submitter. Criteria: Invitae Variant Classification Sherloc (09022015). Collection method: clinical testing. Allele origin: germline.
Comment: This sequence change replaces glycine, which is neutral and non-polar, with aspartic acid, which is acidic and polar, at codon 236 of the LOR protein (p.Gly236Asp). This variant is not present in population databases (gnomAD no frequency). This variant has not been reported in the literature in individuals affected with LOR-related conditions. Experimental studies and prediction algorithms are not available or were not evaluated, and the functional significance of this variant is currently unknown. In summary, the available evidence is currently insufficient to determine the role of this variant in disease. Therefore, it has been classified as a Variant of Uncertain Significance.

NM_000427.3(LORICRIN):c.707G>A (p.Gly236Asp)

Gene: LORICRIN (loricrin cornified envelope precursor protein; plus strand). Cytogenetic location: 1q21.3.
Variant type: single nucleotide variant.
Coding change: c.707G>A on transcript NM_000427.3 (MANE Select); coding-DNA position 707, G replaced by A.
Protein change: p.Gly236Asp; replaces glycine 236 with aspartic acid.
Molecular consequence: missense variant.
Genome position (GRCh38, 1-based): chr1:153,261,656, G>A. VCF-style: chr1-153261656-G-A. GRCh37 (hg19) VCF-style: chr1-153234132-G-A.
Other names: short protein forms G236D.
Identifiers: ClinVar variation 2856853 (VCV002856853.3), dbSNP rs1658799748, ClinGen allele CA342507208.
Genomic context (GRCh38, chr1:153,261,656, plus strand): 5'-AGACCTCGTGCGCGCCCCAGCCGAGTTACGGAGGGGGGTCGTCCGGCGGCGGCGGCAGCG[G>A]CGGAAGCGGCTGCTTCTCCAGCGGCGGGGGCGGCGGGAGCTCCGGCTGCGGCGGCGGCTC-3'
Protein context (NP_000418.2, residues 226-246): GGGSSGGGGS[Gly236Asp]GSGCFSSGGG